The following is an entry in ClinVar:

ClinVar aggregate classification (germline): Likely pathogenic (1 of 4 stars; one submission).

Conditions:
Wilson disease (WND). Also called: Wilson's disease. Identifiers: Orphanet 905, MedGen C0019202, MONDO:0010200, OMIM 277900. Disease mechanism: loss of function.

Submission:

Myriad Genetics, Inc.
Classification: Likely pathogenic for Wilson disease. Last evaluated: 2021-12-16. Review status: criteria provided, single submitter. Criteria: Myriad Women's Health Autosomal Recessive and X-Linked Classification Criteria (2021). Collection method: clinical testing. Allele origin: unknown.
Comment: NM_000053.3(ATP7B):c.1738delC(H580Tfs*3) is expected to be pathogenic in the context of Wilson disease. This variant is predicted to lead to an abnormal or absent protein product due to the creation of a premature termination codon in ATP7B, a gene where loss-of-function variants are known to be pathogenic. Please note: this variant was assessed in the context of healthy population screening.

NM_000053.4(ATP7B):c.1738del (p.His580fs)

Gene: ATP7B (ATPase copper transporting beta; minus strand). Cytogenetic location: 13q14.3.
Variant type: Deletion.
Coding change: c.1738del on transcript NM_000053.4 (MANE Select); coding-DNA position 1738, one base deleted (C; older notation c.1738delC).
Protein change: p.His580fs; shifts the reading frame from histidine 580.
Molecular consequence: frameshift variant.
Genome position (GRCh38, 1-based): chr13:51,965,003, G deleted on the plus strand (C on the coding strand, the reverse complement: ATP7B is on the minus strand); the first of 2 consecutive G bases (chr13:51,965,003-51,965,004); deleting either gives the same sequence. VCF-style (leftmost placement, unchanged base first): chr13-51965002-TG-T. GRCh37 (hg19) VCF-style: chr13-52539138-TG-T.
Other names: c.1738del, p.His580fs (NM_001005918.3, NM_001330578.2, NM_001330579.2); c.1405del, p.His469fs (NM_001243182.2); c.1737delC, p.His580Thrfs (NM_001406520.1, NM_001406521.1, NM_001406522.1 and 21 more transcripts); c.1704delC, p.His569Thrfs (NM_001406524.1, NM_001406514.1); c.1641delC, p.His548Thrfs (NM_001406530.1, NM_001406536.1, NM_001406543.1 and 3 more transcripts); c.1308delC, p.His437Thrfs (NM_001406539.1); short protein forms H469fs, H580fs.
Identifiers: ClinVar variation 1726333 (VCV001726333.2), dbSNP rs2547753650, ClinGen allele CA2580087774.
Genomic context (GRCh38, chr13:51,965,002, plus strand): 5'-GCAAGGGCAACGGAGGCATAAGTGATGCCATTTGTCCTCGTGAGTTTGGACTCTATGTTG[TG>T]GACACAGGACGCGCAGGTCATCCCTGTGATCTGCAACACAGGATGGCAAGAATCCCACAG-3'